The following is an entry in ClinVar:

NM_001105206.3(LAMA4):c.1946A>G (p.Asp649Gly)

Gene: LAMA4 (laminin subunit alpha 4; minus strand). Cytogenetic location: 6q21.
Variant type: single nucleotide variant.
Coding change: c.1946A>G on transcript NM_001105206.3 (MANE Select); coding-DNA position 1946, A replaced by G.
Protein change: p.Asp649Gly; replaces aspartic acid 649 with glycine.
Molecular consequence: missense variant.
Genome position (GRCh38, 1-based): chr6:112,155,578, T>C on the plus strand (A>G on the coding strand, the complement: LAMA4 is on the minus strand). VCF-style: chr6-112155578-T-C. GRCh37 (hg19) VCF-style: chr6-112476780-T-C.
Other names: c.1925A>G, p.Asp642Gly (NM_002290.5, NM_001105207.3); short protein forms D649G, D642G.
Identifiers: ClinVar variation 3536937 (VCV003536937.3).
Genomic context (GRCh38, chr6:112,155,578, plus strand): 5'-AGCCAGTGGGAAAGGCAAGGTATAAAGAACTTTCAGGGAATACTCACATCATAAATTCGG[T>C]CAGTGGTGTTCAAAGCAAATTCTGCTGTTTCATTGGCTTCACTAACATAATTAACAATAT-3'
Protein context (NP_001098676.2, residues 639-659): ETAEFALNTT[Asp649Gly]RIYDAVSGID

ClinVar aggregate classification (germline): Uncertain significance. Review status: criteria provided, multiple submitters, no conflicts (2 of 4 stars). 2 submissions from 2 submitters: Uncertain significance (2). Last evaluated 2024-10-10.

Conditions:
Dilated cardiomyopathy 1JJ (CMD1JJ). Identifiers: Orphanet 154, MedGen C3808935, MONDO:0014095, OMIM 615235.
Cardiovascular phenotype. Identifiers: MedGen CN230736.

gnomAD v4.1: 4 of 1,614,148 alleles (0.00025%); highest among the groups gnomAD compares: Non-Finnish European, 0.00034%; no homozygotes.

Submissions (2):

Labcorp Genetics (formerly Invitae), Labcorp
Classification: Uncertain significance for Dilated cardiomyopathy 1JJ. Last evaluated: 2024-10-10. Review status: criteria provided, single submitter. Criteria: Invitae Variant Classification Sherloc (09022015). Collection method: clinical testing. Allele origin: germline.
Comment: This sequence change replaces aspartic acid, which is acidic and polar, with glycine, which is neutral and non-polar, at codon 642 of the LAMA4 protein (p.Asp642Gly). This variant is present in population databases (rs782731240, gnomAD 0.002%). This variant has not been reported in the literature in individuals affected with LAMA4-related conditions. Invitae Evidence Modeling of protein sequence and biophysical properties (such as structural, functional, and spatial information, amino acid conservation, physicochemical variation, residue mobility, and thermodynamic stability) indicates that this missense variant is not expected to disrupt LAMA4 protein function with a negative predictive value of 80%. In summary, the available evidence is currently insufficient to determine the role of this variant in disease. Therefore, it has been classified as a Variant of Uncertain Significance.

Ambry Genetics
Classification: Uncertain significance for Cardiovascular phenotype. Last evaluated: 2024-07-11. Review status: criteria provided, single submitter. Criteria: Ambry Variant Classification Scheme 2023. Collection method: clinical testing. Allele origin: germline.
Comment: The p.D642G variant (also known as c.1925A>G), located in coding exon 14 of the LAMA4 gene, results from an A to G substitution at nucleotide position 1925. The aspartic acid at codon 642 is replaced by glycine, an amino acid with similar properties. This amino acid position is conserved. In addition, this alteration is predicted to be tolerated by in silico analysis. Based on the available evidence, the clinical significance of this variant remains unclear.